The following is an entry in ClinVar:

ClinVar aggregate classification (germline): Conflicting classifications of pathogenicity. Review status: criteria provided, conflicting classifications (1 of 4 stars). 3 submissions from 3 submitters: Likely pathogenic (2); Uncertain significance (1). Last evaluated 2026-05-06.

Conditions:
Combined pituitary hormone deficiencies, genetic form. Also called: Pituitary hormone deficiency, combined. Identifiers: Orphanet 95494, MedGen C4273747, MONDO:0013099.
Pituitary hormone deficiency, combined, 2. Also called: ATELIOTIC DWARFISM WITH HYPOGONADISM; HANHART DWARFISM; PITUITARY DWARFISM III; PROP1-Related Combined Pituitary Hormone Deficiency. Identifiers: MedGen C0878683, MONDO:0009878, OMIM 262600.

gnomAD v4.1: 5 of 1,613,674 alleles (0.00031%); highest among the groups gnomAD compares: Admixed American, 0.0033%; no homozygotes.

Submissions (3):

Myriad Genetics, Inc.
Classification: Uncertain significance for Pituitary hormone deficiency, combined, 2. Last evaluated: 2026-05-06. Review status: criteria provided, single submitter. Criteria: Myriad Autosomal Dominant, Autosomal Recessive and X-Linked Classification Criteria (2023). Collection method: clinical testing. Allele origin: unknown.
Comment: NM_006261.4(PROP1):c.374G>A(R125Q) is a missense variant classified as a variant of uncertain significance in the context of combined pituitary hormone deficiency, PROP1-related. R125Q has been observed in a case with relevant disease (PMID: 33098107). Relevant functional assessments of this variant are not available in the literature. R125Q has been observed in referenced population frequency databases. In summary, there is insufficient evidence to classify NM_006261.4(PROP1):c.374G>A(R125Q) as pathogenic or benign. Please note: this variant was assessed in the context of healthy population screening.

Natera, Inc.
Classification: Likely pathogenic for Combined pituitary hormone deficiency type 2. Last evaluated: 2025-12-23. Review status: criteria provided, single submitter. Criteria: Natera Variant Classification Schema (03/2026). Collection method: clinical testing. Allele origin: germline.
Comment: The c.374G>A variant in PROP1 is a missense variant predicted to cause substitution of arginine to glutamine at amino acid 125. This variant is rare in the general population with a frequency below the threshold expected for the associated phenotype(s). This variant has been observed in one or more individuals affected with the associated recessive disease, as either homozygous or compound heterozygous with a second variant (PMID: 33098107). A different variant at the same position has been determined to be Pathogenic or Likely Pathogenic. Computational prediction algorithms indicate this variant is likely to affect gene or protein function. Given the available evidence, this variant is classified as Likely Pathogenic.

Women's Health and Genetics/Laboratory Corporation of America, LabCorp
Classification: Likely pathogenic for Combined pituitary hormone deficiencies, genetic form. Last evaluated: 2025-07-08. Review status: criteria provided, single submitter. Criteria: LabCorp Variant Classification Summary - May 2015. Collection method: clinical testing. Allele origin: germline.
Comment: Variant summary: PROP1 c.374G>A (p.Arg125Gln) results in a conservative amino acid change in the encoded protein sequence. Algorithms developed to predict the effect of missense changes on protein structure and function are either unavailable or do not agree on the potential impact of this missense change. The variant allele was found at a frequency of 1.2e-05 in 250188 control chromosomes (gnomAD). c.374G>A has been observed in at least one homozygous individual affected with Combined Pituitary Hormone Deficiency (Jullien_2020). These data indicate that the variant may be associated with disease. To our knowledge, no experimental evidence demonstrating an impact on protein function has been reported. The following publication have been ascertained in the context of this evaluation (PMID: 33098107). No submitters have cited clinical-significance assessments for this variant to ClinVar. Based on the evidence outlined above, the variant was classified as likely pathogenic.

Literature cited by the submitters: PubMed 33098107 (cited by 3 submitters).

NM_006261.5(PROP1):c.374G>A (p.Arg125Gln)

Gene: PROP1 (PROP paired-like homeobox 1; minus strand). Cytogenetic location: 5q35.3.
Variant type: single nucleotide variant.
Coding change: c.374G>A on transcript NM_006261.5 (MANE Select); coding-DNA position 374, G replaced by A.
Protein change: p.Arg125Gln; replaces arginine 125 with glutamine.
Molecular consequence: missense variant.
Genome position (GRCh38, 1-based): chr5:177,993,016, C>T on the plus strand (G>A on the coding strand, the complement: PROP1 is on the minus strand). VCF-style: chr5-177993016-C-T. GRCh37 (hg19) VCF-style: chr5-177420017-C-T.
Other names: c.374G>A (NM_006261.4); short protein forms R125Q.
Identifiers: ClinVar variation 4526068 (VCV004526068.3).